The following is an entry in ClinVar:

ClinVar aggregate classification (germline): Likely benign. Review status: reviewed by expert panel (3 of 4 stars). 14 submissions from 14 submitters: Likely benign (1). 13 of the submissions do not count toward it. Last evaluated 2017-06-29.

Conditions:
Breast-ovarian cancer, familial, susceptibility to, 1 (BROVCA1). Also called: BRCA1 Hereditary Breast and Ovarian Cancer; OVARIAN CANCER, SUSCEPTIBILITY TO. Identifiers: Orphanet 145, MedGen C2676676, MONDO:0011450, OMIM 604370. Disease mechanism: loss of function.
Familial cancer of breast. Also called: hereditary breast carcinoma; BREAST CANCER, FAMILIAL; Hereditary breast cancer. Identifiers: Orphanet 227535, MedGen C0346153, MONDO:0016419, OMIM 114480. Disease mechanism: loss of function.
Fanconi anemia, complementation group S (FANCS). Identifiers: MedGen C4554406, MONDO:0054748, OMIM 617883.
Hereditary cancer-predisposing syndrome. Also called: Hereditary Cancer Syndrome; Hereditary neoplastic syndrome; Neoplastic Syndromes, Hereditary; Tumor predisposition. Identifiers: Orphanet 140162, MedGen C0027672, MeSH D009386, MONDO:0015356.
Hereditary breast ovarian cancer syndrome. Also called: BRCA1- and BRCA2-Associated Hereditary Breast and Ovarian Cancer; Hereditary breast and ovarian cancer syndrome; Hereditary breast and ovarian cancer syndrome (HBOC); Breast and ovarian cancer; Hereditary breast and/or ovarian cancer syndrome; Hereditary breast and ovarian cancer. Identifiers: Orphanet 145, MedGen C0677776, MeSH D061325, MONDO:0003582. Disease mechanism: loss of function.

Allele frequency attached by ClinVar (database versions not stated): gnomAD exomes 0.00001; gnomAD 0.00003; TOPMed 0.00003.

Submissions (15):

Evidence-based Network for the Interpretation of Germline Mutant Alleles (ENIGMA)
Classification: Likely benign for Breast-ovarian cancer, familial, susceptibility to, 1. Last evaluated: 2017-06-29. Review status: reviewed by expert panel. Criteria: ENIGMA BRCA1/2 Classification Criteria (2017-06-29). Collection method: curation. Allele origin: germline.
Comment: Synonymous substitution variant, with low bioinformatic likelihood to result in a splicing aberration (Splicing prior probability 0.02).

Labcorp Genetics (formerly Invitae), Labcorp
Classification: Likely benign for Hereditary breast ovarian cancer syndrome. Last evaluated: 2026-01-26. Review status: criteria provided, single submitter. Criteria: Invitae Variant Classification Sherloc (09022015). Collection method: clinical testing. Allele origin: germline. Not counted in ClinVar's aggregate classification.

ARUP Laboratories, Molecular Genetics and Genomics, ARUP Laboratories
Classification: Benign. Last evaluated: 2025-02-04. Review status: criteria provided, single submitter. Criteria: ARUP Molecular Germline Variant Investigation Process 2024. Collection method: clinical testing. Allele origin: germline. Not counted in ClinVar's aggregate classification.

All of Us Research Program, National Institutes of Health
Classification: Likely benign for Breast-ovarian cancer, familial, susceptibility to, 1. Last evaluated: 2023-12-18. Review status: criteria provided, single submitter. Criteria: ACMG Guidelines, 2015. Collection method: clinical testing. Allele origin: germline. Inheritance: Autosomal dominant inheritance. Observed: 3 variant alleles, 3 heterozygotes. Not counted in ClinVar's aggregate classification.
Comment: This study involves interpretation of variants in research participants for the purpose of population health screening. Participant phenotype was not available at the time of variant classification. Additional details can be found in publication PMID: 35346344, PMCID: PMC8962531

Ambry Genetics
Classification: Likely benign for Hereditary cancer-predisposing syndrome. Last evaluated: 2023-12-16. Review status: criteria provided, single submitter. Criteria: Ambry Variant Classification Scheme 2023. Collection method: clinical testing. Allele origin: germline. Not counted in ClinVar's aggregate classification.

Quest Diagnostics Nichols Institute San Juan Capistrano
Classification: Benign. Last evaluated: 2023-05-15. Review status: criteria provided, single submitter. Criteria: Quest Diagnostics criteria. Collection method: clinical testing. Allele origin: unknown. Not counted in ClinVar's aggregate classification.

Department of Pathology and Laboratory Medicine, Sinai Health System
Classification: Likely benign for Familial cancer of breast; Breast-ovarian cancer, familial, susceptibility to, 1; Fanconi anemia, complementation group S. Last evaluated: 2021-12-02. Review status: criteria provided, single submitter. Criteria: ACMG Guidelines, 2015. Collection method: clinical testing. Allele origin: germline. Affected: yes. Not counted in ClinVar's aggregate classification.

Genetic Services Laboratory, University of Chicago
Classification: Likely benign. Last evaluated: 2019-08-27. Review status: criteria provided, single submitter. Criteria: ACMG Guidelines, 2015. Collection method: clinical testing. Allele origin: germline. Affected: no. Not counted in ClinVar's aggregate classification.

Cancer Genetics and Genomics Laboratory, British Columbia Cancer Agency
Classification: Likely benign. Last evaluated: 2017-04-18. Review status: criteria provided, single submitter. Criteria: ACMG Guidelines, 2015. Collection method: clinical testing. Allele origin: germline. Study: The Canadian Open Genetics Repository (COGR). Not counted in ClinVar's aggregate classification.

Color Diagnostics, LLC DBA Color Health
Classification: Likely benign for Hereditary cancer-predisposing syndrome. Last evaluated: 2017-01-03. Review status: criteria provided, single submitter. Criteria: ACMG Guidelines, 2015. Collection method: clinical testing. Allele origin: germline. Not counted in ClinVar's aggregate classification.

Fulgent Genetics
Classification: Likely benign for Breast-ovarian cancer, familial, susceptibility to, 1. Last evaluated: 2015-08-07. Review status: criteria provided, single submitter. Criteria: ACMG Guidelines, 2015. Collection method: clinical testing. Allele origin: unknown. Inheritance: Autosomal dominant inheritance. Not counted in ClinVar's aggregate classification.

GeneDx
Classification: Benign. Last evaluated: 2015-04-20. Review status: criteria provided, single submitter. Criteria: GeneDx Variant Classification (06012015). Collection method: clinical testing. Allele origin: germline. Affected: yes. Not counted in ClinVar's aggregate classification.
Comment: This variant is considered likely benign or benign based on one or more of the following criteria: it is a conservative change, it occurs at a poorly conserved position in the protein, it is predicted to be benign by multiple in silico algorithms, and/or has population frequency not consistent with disease.

Counsyl
Classification: Likely benign for Breast-ovarian cancer, familial 1. Last evaluated: 2015-01-09. Review status: no assertion criteria provided. Collection method: literature only. Allele origin: unknown. Inheritance: Autosomal dominant inheritance. Not counted in ClinVar's aggregate classification.

Breast Cancer Information Core (BIC) (BRCA1)
Classification: Uncertain significance for Breast-ovarian cancer, familial 1. Last evaluated: 2010-09-18. Review status: no assertion criteria provided. Collection method: clinical testing. Allele origin: germline. Affected: yes. Observed: 1 variant allele. Not counted in ClinVar's aggregate classification.

Brotman Baty Institute, University of Washington
No classification provided (evidence only). Condition: Breast-ovarian cancer, familial 1. Review status: no classification provided. Collection method: in vitro. Allele origin: not applicable. Functional consequence: functionally_normal. Not counted in ClinVar's aggregate classification.
ClinVar note: "not provided" was previously submitted as the classification for the variant. However, the classification appeared to be based only on an observation of functional data so it was converted to no classification on 2025-07-30.

Literature cited by the submitters: PubMed 12872263 (cited by 3 submitters); PubMed 30209399 (cited by Quest Diagnostics Nichols Institute San Juan Capistrano); PubMed 30702160 (cited by Quest Diagnostics Nichols Institute San Juan Capistrano).

NM_007294.4(BRCA1):c.5310G>A (p.Gly1770=)

Gene: BRCA1 (BRCA1 DNA repair associated; minus strand). Cytogenetic location: 17q21.31.
Variant type: single nucleotide variant.
Coding change: c.5310G>A on transcript NM_007294.4 (MANE Select); coding-DNA position 5310, G replaced by A.
Protein change: p.Gly1770=; no amino-acid change (glycine 1770 retained).
Molecular consequence: synonymous variant. On other transcripts: intron variant (2).
Genome position (GRCh38, 1-based): chr17:43,051,085, C>T on the plus strand (G>A on the coding strand, the complement: BRCA1 is on the minus strand). VCF-style: chr17-43051085-C-T. GRCh37 (hg19) VCF-style: chr17-41203102-C-T.
Other names: G1770G; c.1875G>A, p.Gly625= (NM_001408433.1, NM_001408434.1, NM_001408435.1 and 10 more transcripts); c.1872G>A, p.Gly624= (NM_001408445.1, NM_001408446.1, NM_001408447.1 and 2 more transcripts); c.1866G>A, p.Gly622= (NM_001408451.1); c.1860G>A, p.Gly620= (NM_001408452.1, NM_001408453.1, NM_001408454.1 and 3 more transcripts); c.1857G>A, p.Gly619= (NM_001408458.1, NM_001408459.1, NM_001408460.1 and 7 more transcripts); c.1854G>A, p.Gly618= (NM_001408468.1, NM_001408469.1, NM_001408470.1); c.1998G>A, p.Gly666= (NM_001408472.1, NM_007298.4, NM_007299.4 and 13 more transcripts); and 75 more.
Identifiers: ClinVar variation 55515 (VCV000055515.30), dbSNP rs273901761, ClinGen allele CA003465.